The following is an entry in ClinVar:

ClinVar aggregate classification (germline): Benign (1 of 4 stars; one submission).

Conditions:
Developmental and epileptic encephalopathy, 27 (DEE27). Also called: GRIN2B-Related Neurodevelopmental Disorder; Epileptic encephalopathy, early infantile, 27. Identifiers: Orphanet 3451, MedGen C4015316, MONDO:0014505, OMIM 616139.
Intellectual developmental disorder, autosomal dominant 6, with or without seizures. Also called: Intellectual disability, autosomal dominant 6; GRIN2B-related developmental delay, intellectual disability and autism spectrum disorder. Identifiers: Orphanet 589547, MedGen C3151411, MONDO:0013509, OMIM 613970.

Allele frequency attached by ClinVar (database versions not stated): gnomAD exomes 0.00001; TOPMed 0.00001.
gnomAD v4.1: 3 of 1,614,184 alleles (0.00019%); highest among the groups gnomAD compares: Non-Finnish European, 0.00025%; no homozygotes.

Submission:

Labcorp Genetics (formerly Invitae), Labcorp
Classification: Benign for Developmental and epileptic encephalopathy, 27; Intellectual developmental disorder, autosomal dominant 6, with or without seizures. Last evaluated: 2023-10-22. Review status: criteria provided, single submitter. Criteria: Invitae Variant Classification Sherloc (09022015). Collection method: clinical testing. Allele origin: germline.

NM_000834.5(GRIN2B):c.4162A>G (p.Ile1388Val)

Gene: GRIN2B (glutamate ionotropic receptor NMDA type subunit 2B; minus strand). Cytogenetic location: 12p13.1.
Variant type: single nucleotide variant.
Coding change: c.4162A>G on transcript NM_000834.5 (MANE Select); coding-DNA position 4162, A replaced by G.
Protein change: p.Ile1388Val; replaces isoleucine 1388 with valine.
Molecular consequence: missense variant.
Genome position (GRCh38, 1-based): chr12:13,563,076, T>C on the plus strand (A>G on the coding strand, the complement: GRIN2B is on the minus strand). VCF-style: chr12-13563076-T-C. GRCh37 (hg19) VCF-style: chr12-13716010-T-C.
Other names: c.4162A>G, p.Ile1388Val (NM_001413992.1); c.4162A>G (NM_000834.3); short protein forms I1388V.
Identifiers: ClinVar variation 1937891 (VCV001937891.6), dbSNP rs1466485753, ClinGen allele CA383986294.
Genomic context (GRCh38, chr12:13,563,076, plus strand): 5'-GCCTGAAGAAGTAGGATTTGCTGCCATGGAGCAAGCACTGGTCGTCCCCAAAAGTGGGGA[T>C]GAAAGGGTTTTGCGTGACCCGGTCAGGGTAGAGCGACTTGCTGAGCATGTACCCGCCGCC-3'
Protein context (NP_000825.2, residues 1378-1398): YPDRVTQNPF[Ile1388Val]PTFGDDQCLL